The following is an entry in ClinVar:

ClinVar aggregate classification (germline): Uncertain significance. Review status: criteria provided, single submitter (1 of 4 stars). 2 submissions from 2 submitters: Uncertain significance (1). 1 of the submissions does not count toward it. Last evaluated 2026-09-10.

Conditions:
Inborn genetic diseases. Identifiers: MedGen C0950123, MeSH D030342.
NAA15-related disorder.

gnomAD v4.1: 4 of 1,500,788 alleles (0.00027%); highest among the groups gnomAD compares: African/African-American, 0.0057%; no homozygotes.

Submissions (2):

Ambry Genetics
Classification: Uncertain significance for Inborn genetic diseases. Last evaluated: 2026-09-10. Review status: criteria provided, single submitter. Criteria: Ambry Variant Classification Scheme 2023. Collection method: clinical testing. Allele origin: germline.
Comment: The c.402+5G>A intronic alteration consists of a G to A substitution 5 nucleotides after exon 4 (coding exon 4) of the NAA15 gene. This variant was not reported in population-based cohorts in the Genome Aggregation Database (gnomAD). This nucleotide position is highly conserved in available vertebrate species. In silico splice site analysis predicts that this alteration will weaken the native splice donor site. Based on insufficient or conflicting evidence, the clinical significance of this alteration remains unclear.

PreventionGenetics, part of Exact Sciences
Classification: Uncertain significance for NAA15-related condition. Last evaluated: 2024-06-10. Review status: no assertion criteria provided. Collection method: clinical testing. Allele origin: germline. Not counted in ClinVar's aggregate classification.
Comment: The NAA15 c.402+5G>A variant is predicted to interfere with splicing. To our knowledge, this variant has not been reported in the literature or in a large population database, indicating this variant is rare. At this time, the clinical significance of this variant is uncertain due to the absence of conclusive functional and genetic evidence.

NM_057175.5(NAA15):c.402+5G>A

Gene: NAA15 (N-alpha-acetyltransferase 15, NatA auxiliary subunit; plus strand). Cytogenetic location: 4q31.1.
Variant type: single nucleotide variant.
Coding change: c.402+5G>A on transcript NM_057175.5 (MANE Select); 5 bases into the intron after coding-DNA position 402, G replaced by A.
Molecular consequence: intron variant.
Genome position (GRCh38, 1-based): chr4:139,341,074, G>A. VCF-style: chr4-139341074-G-A. GRCh37 (hg19) VCF-style: chr4-140262228-G-A.
Other names: c.402+5G>A (NM_001410842.1).
Identifiers: ClinVar variation 3346253 (VCV003346253.2).
Genomic context (GRCh38, chr4:139,341,074, plus strand): 5'-TCTTAAGGGACCTTTCCTTACTACAGATTCAAATGCGAGATCTTGAGGGTTACAGGGTAA[G>A]TAAAATAGAGACTTTTTTTTTTAATTCTAAGGGGAAAATATGTACAACTTTGAGTACTTT-3'